The following is an entry in ClinVar:

NM_014363.6(SACS):c.483C>T (p.Asn161=)

Gene: SACS (sacsin molecular chaperone; minus strand). Cytogenetic location: 13q12.12.
Variant type: single nucleotide variant.
Coding change: c.483C>T on transcript NM_014363.6 (MANE Select); coding-DNA position 483, C replaced by T.
Protein change: p.Asn161=; no amino-acid change (asparagine 161 retained).
Molecular consequence: synonymous variant.
Genome position (GRCh38, 1-based): chr13:23,358,456, G>A on the plus strand (C>T on the coding strand, the complement: SACS is on the minus strand). VCF-style: chr13-23358456-G-A. GRCh37 (hg19) VCF-style: chr13-23932595-G-A.
Other names: c.483C>T (NM_014363.4); c.42C>T, p.Asn14= (NM_001278055.2).
Identifiers: ClinVar variation 1158334 (VCV001158334.10), dbSNP rs762321054, ClinGen allele CA6912070.

ClinVar aggregate classification (germline): Likely benign. Review status: criteria provided, multiple submitters, no conflicts (2 of 4 stars). 2 submissions from 2 submitters: Likely benign (2). Last evaluated 2025-04-14.

Conditions:
Spastic paraplegia. Identifiers: MedGen C0037772, HP:0001258.

Allele frequency attached by ClinVar (database versions not stated): ExAC 0.00001; gnomAD 0.00001; gnomAD exomes 0.00001 and 0.00002; TOPMed 0.00002.
gnomAD v4.1: 25 of 1,613,966 alleles (0.0015%); highest among the groups gnomAD compares: Admixed American, 0.0033%; no homozygotes.

Submissions (2):

Athena Diagnostics
Classification: Likely benign. Last evaluated: 2025-04-14. Review status: criteria provided, single submitter. Criteria: Athena Diagnostics Criteria. Collection method: clinical testing. Allele origin: unknown.
Comment: Computational tools yielded predictions that this variant is unlikely to have an effect on normal RNA splicing. This nucleotide position exhibits low evolutionary conservation.

Labcorp Genetics (formerly Invitae), Labcorp
Classification: Likely benign for Spastic paraplegia. Last evaluated: 2024-01-10. Review status: criteria provided, single submitter. Criteria: Invitae Variant Classification Sherloc (09022015). Collection method: clinical testing. Allele origin: germline.